The following is an entry in ClinVar:

NM_001242896.3(DEPDC5):c.3563C>T (p.Ser1188Leu)

Gene: DEPDC5 (DEP domain containing 5, GATOR1 subcomplex subunit; plus strand). Cytogenetic location: 22q12.3.
Variant type: single nucleotide variant.
Coding change: c.3563C>T on transcript NM_001242896.3 (MANE Select); coding-DNA position 3563, C replaced by T.
Protein change: p.Ser1188Leu; replaces serine 1188 with leucine.
Molecular consequence: missense variant. On other transcripts: non-coding transcript variant (4).
Genome position (GRCh38, 1-based): chr22:31,873,332, C>T. VCF-style: chr22-31873332-C-T. GRCh37 (hg19) VCF-style: chr22-32269318-C-T.
Other names: c.3536C>T, p.Ser1179Leu (NM_001136029.4); c.3263C>T, p.Ser1088Leu (NM_001242897.2); c.3497C>T, p.Ser1166Leu (NM_001363852.2, NM_001364320.2); c.3329C>T, p.Ser1110Leu (NM_001363854.2, NM_001364319.2); c.3563C>T, p.Ser1188Leu (NM_001364318.2); c.3479C>T, p.Ser1160Leu (NM_001369901.1, NM_001369902.1); c.3470C>T, p.Ser1157Leu (NM_001369903.1, NM_014662.6); short protein forms S1088L, S1110L, S1166L, S1179L, S1188L, S1160L, S1157L.
Identifiers: ClinVar variation 642852 (VCV000642852.10), dbSNP rs376487148, ClinGen allele CA10197022.

ClinVar aggregate classification (germline): Uncertain significance (1 of 4 stars; one submission).

Conditions:
Familial focal epilepsy with variable foci (FPEVF). Identifiers: Orphanet 98820, MedGen C1858477, MONDO:0020310.

Allele frequency attached by ClinVar (database versions not stated): gnomAD exomes 0.00001; TOPMed 0.00001; ExAC 0.00002; gnomAD 0.00003 and 0.00004; ESP Exome Variant Server 0.00008.
gnomAD v4.1: 22 of 1,613,674 alleles (0.0014%); highest among the groups gnomAD compares: African/African-American, 0.0053%; no homozygotes.

Submission:

Labcorp Genetics (formerly Invitae), Labcorp
Classification: Uncertain significance for Familial focal epilepsy with variable foci. Last evaluated: 2024-12-24. Review status: criteria provided, single submitter. Criteria: Invitae Variant Classification Sherloc (09022015). Collection method: clinical testing. Allele origin: germline.
Comment: This sequence change replaces serine, which is neutral and polar, with leucine, which is neutral and non-polar, at codon 1188 of the DEPDC5 protein (p.Ser1188Leu). This variant is present in population databases (rs376487148, gnomAD 0.003%). This variant has not been reported in the literature in individuals affected with DEPDC5-related conditions. ClinVar contains an entry for this variant (Variation ID: 642852). Experimental studies and prediction algorithms are not available or were not evaluated, and the functional significance of this variant is currently unknown. In summary, the available evidence is currently insufficient to determine the role of this variant in disease. Therefore, it has been classified as a Variant of Uncertain Significance.